The following is an entry in ClinVar:

ClinVar aggregate classification (germline): Likely pathogenic (1 of 4 stars; one submission).

Conditions:
KDM6A-related disorder. Also called: KDM6A-related condition.

Submission:

PreventionGenetics, part of Exact Sciences
Classification: Likely pathogenic for KDM6A-related condition. Last evaluated: 2024-11-27. Review status: criteria provided, single submitter. Criteria: ACMG Guidelines, 2015. Collection method: clinical testing. Allele origin: germline.
Comment: The KDM6A c.3746_3758del13 variant is predicted to result in a frameshift and premature protein termination (p.Tyr1249Trpfs*12). To our knowledge, this variant has not been reported in the literature or in a large population database (gnomAD), indicating this variant is rare. Frameshift variants in KDM6A are expected to be pathogenic. This variant is interpreted as likely pathogenic.

NM_001291415.2(KDM6A):c.3902_3914del (p.Tyr1301fs)

Gene: KDM6A (lysine demethylase 6A; plus strand). Cytogenetic location: Xp11.3.
Variant type: Deletion.
Coding change: c.3902_3914del on transcript NM_001291415.2 (MANE Select); coding-DNA positions 3902 to 3914, 13 bases deleted (ATAAATTGGCAGT).
Protein change: p.Tyr1301fs; shifts the reading frame from tyrosine 1301.
Molecular consequence: frameshift variant. On other transcripts: non-coding transcript variant (1).
Genome position (GRCh38, 1-based): chrX:45,090,732-45,090,744, ATAAATTGGCAGT deleted; deleting any 13 consecutive bases within chrX:45,090,728-45,090,744 gives the same sequence; the c. name uses the placement nearest the transcript's 3' end. VCF-style (leftmost placement, unchanged base first): chrX-45090727-CCAGTATAAATTGG-C. GRCh37 (hg19) VCF-style: chrX-44949972-CCAGTATAAATTGG-C.
Other names: c.3767_3779del, p.Tyr1256fs (NM_001291416.2, NM_001419811.1); c.3611_3623del, p.Tyr1204fs (NM_001291417.2); c.3509_3521del, p.Tyr1170fs (NM_001291418.2, NM_001419815.1); c.2858_2870del, p.Tyr953fs (NM_001291421.2); c.3644_3656del, p.Tyr1215fs (NM_001410742.1, NM_001419814.1); c.3902_3914del, p.Tyr1301fs (NM_001419809.1); c.3800_3812del, p.Tyr1267fs (NM_001419810.1, NM_001419813.1); c.3746_3758del, p.Tyr1249fs (NM_001419812.1, NM_021140.4); short protein forms Y1249fs, Y1170fs, Y1301fs, Y1204fs, Y1215fs, Y1256fs, Y1267fs, Y953fs.
Identifiers: ClinVar variation 4998249 (VCV004998249.1).